The following is an entry in ClinVar:

ClinVar aggregate classification (germline): Uncertain significance (1 of 4 stars; one submission).

Conditions:
Glycogen storage disease IXb (GSD9B). Also called: GLYCOGENOSIS OF LIVER AND MUSCLE, AUTOSOMAL RECESSIVE; GSD IXb; PHOSPHORYLASE KINASE DEFICIENCY OF LIVER AND MUSCLE, AUTOSOMAL RECESSIVE. Identifiers: Orphanet 79240, MedGen C0543514, MONDO:0009868, OMIM 261750.

Allele frequency attached by ClinVar (database versions not stated): gnomAD 0.00001; gnomAD exomes 0.00001; ExAC 0.00002; TOPMed 0.00002.
gnomAD v4.1: 9 of 1,613,378 alleles (0.00056%); highest among the groups gnomAD compares: Non-Finnish European, 0.00076%; no homozygotes.

Submission:

Labcorp Genetics (formerly Invitae), Labcorp
Classification: Uncertain significance for Glycogen storage disease IXb. Last evaluated: 2022-08-01. Review status: criteria provided, single submitter. Criteria: Invitae Variant Classification Sherloc (09022015). Collection method: clinical testing. Allele origin: germline.
Comment: This sequence change replaces glycine, which is neutral and non-polar, with alanine, which is neutral and non-polar, at codon 940 of the PHKB protein (p.Gly940Ala). This variant is present in population databases (rs781357865, gnomAD 0.003%). This variant has not been reported in the literature in individuals affected with PHKB-related conditions. ClinVar contains an entry for this variant (Variation ID: 1009649). Algorithms developed to predict the effect of missense changes on protein structure and function (SIFT, PolyPhen-2, Align-GVGD) all suggest that this variant is likely to be tolerated. In summary, the available evidence is currently insufficient to determine the role of this variant in disease. Therefore, it has been classified as a Variant of Uncertain Significance.

NM_000293.3(PHKB):c.2819G>C (p.Gly940Ala)

Gene: PHKB (phosphorylase kinase regulatory subunit beta; plus strand). Cytogenetic location: 16q12.1.
Variant type: single nucleotide variant.
Coding change: c.2819G>C on transcript NM_000293.3 (MANE Select); coding-DNA position 2819, G replaced by C.
Protein change: p.Gly940Ala; replaces glycine 940 with alanine.
Molecular consequence: missense variant.
Genome position (GRCh38, 1-based): chr16:47,693,431, G>C. VCF-style: chr16-47693431-G-C. GRCh37 (hg19) VCF-style: chr16-47727342-G-C.
Other names: c.2798G>C, p.Gly933Ala (NM_001031835.3); c.2819G>C, p.Gly940Ala (NM_001363837.1); short protein forms G933A, G940A.
Identifiers: ClinVar variation 1009649 (VCV001009649.6), dbSNP rs781357865, ClinGen allele CA8041340.
Genomic context (GRCh38, chr16:47,693,431, plus strand): 5'-GTTACAGATGTTGGCTGAACAGGCGTCAGATCGATGGGTCTTTGAATAGAACTCCCACCG[G>C]GTTCTATGACCGAGTGTGGCAGATTCTGGAGCGCACGCCCAATGGGATCATTGTTGCTGG-3'
Protein context (NP_000284.1, residues 930-950): IDGSLNRTPT[Gly940Ala]FYDRVWQILE